The following is an entry in ClinVar:

ClinVar aggregate classification (germline): Conflicting classifications of pathogenicity. Review status: criteria provided, conflicting classifications (1 of 4 stars). 4 submissions from 4 submitters: Likely pathogenic (2); Uncertain significance (1). 1 of the submissions does not count toward it. Last evaluated 2024-04-18.

Conditions:
Frontotemporal dementia (FTD1). Also called: Frontotemporal Dementia with Parkinsonism-17 (FTDP-17); FRONTOTEMPORAL DEMENTIA WITH PARKINSONISM; FRONTOTEMPORAL LOBE DEMENTIA; MULTIPLE SYSTEM TAUOPATHY WITH PRESENILE DEMENTIA; Dementia, frontotemporal, with or without parkinsonism; WILHELMSEN-LYNCH DISEASE. Identifiers: Orphanet 282, MedGen C0338451, MONDO:0017276, OMIM 600274, HP:0002145.

Submissions (4):

Labcorp Genetics (formerly Invitae), Labcorp
Classification: Uncertain significance for Frontotemporal dementia. Last evaluated: 2024-04-18. Review status: criteria provided, single submitter. Criteria: Invitae Variant Classification Sherloc (09022015). Collection method: clinical testing. Allele origin: germline.
Comment: This variant, c.841_843del, results in the deletion of 1 amino acid(s) of the MAPT protein (p.Lys281del), but otherwise preserves the integrity of the reading frame. This variant is present in population databases (rs755349386, gnomAD 0.01%). This variant has been observed in individual(s) with frontotemporal dementia and Alzheimer's disease (PMID: 9973279, 10514099, 17723255). This variant is also known as p.Lys280del and ŒîK280. ClinVar contains an entry for this variant (Variation ID: 98213). Algorithms developed to predict the effect of variants on protein structure and function are not available or were not evaluated for this variant. Experimental studies have shown that this variant affects MAPT function (PMID: 9973279, 18725924, 23515417, 24448233). Algorithms developed to predict the effect of sequence changes on RNA splicing suggest that this variant may disrupt the consensus splice site. In summary, the available evidence is currently insufficient to determine the role of this variant in disease. Therefore, it has been classified as a Variant of Uncertain Significance.

GeneDx
Classification: Likely pathogenic. Last evaluated: 2023-12-21. Review status: criteria provided, single submitter. Criteria: GeneDx Variant Classification Process June 2021. Collection method: clinical testing. Allele origin: germline. Affected: yes.
Comment: Previously reported in individuals with frontotemporal dementia and Alzheimer disease; however segregation information was not available (PMID: 17723255, 32843152, 9973279); Published functional studies have demonstrated reduced ability to promote microtubule assembly compared to wild type protein, as well as altered protein conformation resulting in increased propensity to form tau aggregates (PMID: 24453187, 9973279, 11102510); In-frame deletion of 1 amino acids in a non-repeat region; In silico analysis supports a deleterious effect on protein structure/function; This variant is associated with the following publications: (PMID: 19498037, 11756436, 11102510, 23515417, 18725924, 9973279, 24448233, 32843152, 32741062, 10514099, 37351604, 24453187, 17723255)

Institute of Human Genetics Munich, TUM University Hospital
Classification: Likely pathogenic for Frontotemporal dementia. Last evaluated: 2019-06-07. Review status: criteria provided, single submitter. Criteria: Classification criteria August 2017. Collection method: clinical testing. Allele origin: germline. Inheritance: Autosomal dominant inheritance. Affected: yes. Observed: 1 heterozygote.

VIB  Department of Molecular Genetics, University of Antwerp
No classification provided. Review status: no classification provided. Collection method: not provided. Allele origin: not provided. Not counted in ClinVar's aggregate classification.

Literature cited by the submitters: PubMed 9973279 (cited by Labcorp Genetics (formerly Invitae), Labcorp); PubMed 10514099 (cited by Labcorp Genetics (formerly Invitae), Labcorp); PubMed 17723255 (cited by Labcorp Genetics (formerly Invitae), Labcorp); PubMed 18725924 (cited by Labcorp Genetics (formerly Invitae), Labcorp); PubMed 23515417 (cited by Labcorp Genetics (formerly Invitae), Labcorp); PubMed 24448233 (cited by Labcorp Genetics (formerly Invitae), Labcorp).

NM_001377265.1(MAPT):c.2014AAG[1] (p.Lys673del)

Gene: MAPT (microtubule associated protein tau). Cytogenetic location: 17q21.31.
Variant type: Microsatellite.
Coding change: c.2014AAG[1] on transcript NM_001377265.1 (MANE Select); one copy of the 3-base unit AAG starting at c.2014.
Protein change: p.Lys673del; deletes lysine 673.
Molecular consequence: inframe deletion. On other transcripts: intron variant (6).
Genome position: GRCh38 VCF-style: chr17-46010324-TAAG-T. GRCh37 (hg19) VCF-style: chr17-44087690-TAAG-T.
Other names: c.1843AAG[1], p.Lys616del (NM_001123066.4); c.751AAG[1], p.Lys252del (NM_001123067.4); c.838AAG[1], p.Lys281del (NM_005910.6); c.664AAG[1], p.Lys223del (NM_016834.5); c.1789AAG[1], p.Lys598del (NM_016835.5); c.649-3915_649-3913del (NM_001377268.1, NM_016841.5); c.823-3915_823-3913del (NM_001203252.2); c.1801-3915_1801-3913del (NM_001377266.1); and 2 more; short protein forms K598del, K616del, K223del, K252del, K281del, K673del.
Identifiers: ClinVar variation 98213 (VCV000098213.15), dbSNP rs63750688, ClinGen allele CA225429.